The following is an entry in ClinVar:

NM_173598.6(KSR2):c.322-6C>A

Gene: KSR2 (kinase suppressor of ras 2; minus strand). Cytogenetic location: 12q24.23.
Variant type: single nucleotide variant.
Coding change: c.322-6C>A on transcript NM_173598.6 (MANE Select); 6 bases into the intron before coding-DNA position 322, C replaced by A.
Molecular consequence: intron variant.
Genome position (GRCh38, 1-based): chr12:117,855,584, G>T on the plus strand (C>A on the coding strand, the complement: KSR2 is on the minus strand). VCF-style: chr12-117855584-G-T. GRCh37 (hg19) VCF-style: chr12-118293389-G-T.
Identifiers: ClinVar variation 3042567 (VCV003042567.2), dbSNP rs371291117, ClinGen allele CA6816366.

ClinVar aggregate classification (germline): Likely benign (0 of 4 stars; one submission).

Conditions:
KSR2-related disorder. Also called: KSR2-related condition.

Allele frequency attached by ClinVar (database versions not stated): gnomAD exomes 0.00001; ExAC 0.00003; ESP Exome Variant Server 0.00016; gnomAD 0.00017; TOPMed 0.00017; 1000 Genomes Project 30x 0.00031; 1000 Genomes Project 0.00040.
gnomAD v4.1: 42 of 1,613,884 alleles (0.0026%); highest among the groups gnomAD compares: African/African-American, 0.055%; no homozygotes.

Submission:

PreventionGenetics, part of Exact Sciences
Classification: Likely benign for KSR2-related condition. Last evaluated: 2023-08-25. Review status: no assertion criteria provided. Collection method: clinical testing. Allele origin: germline.
Comment: This variant is classified as likely benign based on ACMG/AMP sequence variant interpretation guidelines (Richards et al. 2015 PMID: 25741868, with internal and published modifications).